The following is an entry in ClinVar:

ClinVar aggregate classification (germline): Uncertain significance. Review status: criteria provided, single submitter (1 of 4 stars). 2 submissions from 2 submitters: Uncertain significance (1). 1 of the submissions does not count toward it. Last evaluated 2025-05-24.

Conditions:
JAG1-related disorder. Also called: JAG1-related disorders; JAG1-related condition.
Cardiovascular phenotype. Identifiers: MedGen CN230736.

Submissions (2):

Ambry Genetics
Classification: Uncertain significance for Cardiovascular phenotype. Last evaluated: 2025-05-24. Review status: criteria provided, single submitter. Criteria: Ambry Variant Classification Scheme 2023. Collection method: clinical testing. Allele origin: germline.
Comment: The p.Q291R variant (also known as c.872A>G), located in coding exon 6 of the JAG1 gene, results from an A to G substitution at nucleotide position 872. The glutamine at codon 291 is replaced by arginine, an amino acid with highly similar properties. This amino acid position is conserved. In addition, the in silico prediction for this alteration is inconclusive. Based on the available evidence, the clinical significance of this variant remains unclear.

PreventionGenetics, part of Exact Sciences
Classification: Uncertain significance for JAG1-related condition. Last evaluated: 2024-08-19. Review status: no assertion criteria provided. Collection method: clinical testing. Allele origin: germline. Not counted in ClinVar's aggregate classification.
Comment: The JAG1 c.872A>G variant is predicted to result in the amino acid substitution p.Gln291Arg. To our knowledge, this variant has not been reported in the literature or in a large population database, indicating this variant is rare. At this time, the clinical significance of this variant is uncertain due to the absence of conclusive functional and genetic evidence.

NM_000214.3(JAG1):c.872A>G (p.Gln291Arg)

Gene: JAG1 (jagged canonical Notch ligand 1; minus strand). Cytogenetic location: 20p12.2.
Variant type: single nucleotide variant.
Coding change: c.872A>G on transcript NM_000214.3 (MANE Select); coding-DNA position 872, A replaced by G.
Protein change: p.Gln291Arg; replaces glutamine 291 with arginine.
Molecular consequence: missense variant.
Genome position (GRCh38, 1-based): chr20:10,652,482, T>C on the plus strand (A>G on the coding strand, the complement: JAG1 is on the minus strand). VCF-style: chr20-10652482-T-C. GRCh37 (hg19) VCF-style: chr20-10633130-T-C.
Other names: short protein forms Q291R.
Identifiers: ClinVar variation 3346133 (VCV003346133.2).